The following is an entry in ClinVar:

ClinVar aggregate classification (germline): Benign (1 of 4 stars; one submission).

Allele frequency attached by ClinVar (database versions not stated): gnomAD 0.05524 and 0.05929; 1000 Genomes Project 0.05751; TOPMed 0.06110; 1000 Genomes Project 30x 0.06184.
gnomAD v4.1: 8,320 of 152,096 alleles (5.5%); highest among the groups gnomAD compares: African/African-American, 19%; 715 homozygotes.

Submission:

GeneDx
Classification: Benign. Last evaluated: 2018-06-19. Review status: criteria provided, single submitter. Criteria: GeneDx Variant Classification (06012015). Collection method: clinical testing. Allele origin: germline. Affected: yes.
Comment: This variant is considered likely benign or benign based on one or more of the following criteria: it is a conservative change, it occurs at a poorly conserved position in the protein, it is predicted to be benign by multiple in silico algorithms, and/or has population frequency not consistent with disease.

NM_001105206.3(LAMA4):c.298-267T>C

Gene: LAMA4 (laminin subunit alpha 4; minus strand). Cytogenetic location: 6q21.
Variant type: single nucleotide variant.
Coding change: c.298-267T>C on transcript NM_001105206.3 (MANE Select); 267 bases into the intron before coding-DNA position 298, T replaced by C.
Molecular consequence: intron variant.
Genome position (GRCh38, 1-based): chr6:112,207,412, A>G on the plus strand (T>C on the coding strand, the complement: LAMA4 is on the minus strand). VCF-style: chr6-112207412-A-G. GRCh37 (hg19) VCF-style: chr6-112528613-A-G.
Other names: c.298-267T>C (NM_002290.5, NM_001105207.3).
Identifiers: ClinVar variation 671850 (VCV000671850.1), dbSNP rs17073566, ClinGen allele CA144891359.